The following is an entry in ClinVar:

NM_000702.4(ATP1A2):c.2131G>A (p.Val711Met)

Gene: ATP1A2 (ATPase Na+/K+ transporting subunit alpha 2; plus strand). Cytogenetic location: 1q23.2.
Variant type: single nucleotide variant.
Coding change: c.2131G>A on transcript NM_000702.4 (MANE Select); coding-DNA position 2131, G replaced by A.
Protein change: p.Val711Met; replaces valine 711 with methionine.
Molecular consequence: missense variant.
Genome position (GRCh38, 1-based): chr1:160,135,449, G>A. VCF-style: chr1-160135449-G-A. GRCh37 (hg19) VCF-style: chr1-160105239-G-A.
Other names: short protein forms V711M.
Identifiers: ClinVar variation 460299 (VCV000460299.10), dbSNP rs1282248061, ClinGen allele CA343248891.

ClinVar aggregate classification (germline): Uncertain significance. Review status: criteria provided, multiple submitters, no conflicts (2 of 4 stars). 2 submissions from 2 submitters: Uncertain significance (2). Last evaluated 2019-08-27.

Conditions:
Inborn genetic diseases. Identifiers: MedGen C0950123, MeSH D030342.
Familial hemiplegic migraine. Identifiers: MedGen C0338484, MONDO:0000700.

Allele frequency attached by ClinVar (database versions not stated): gnomAD exomes below 0.00001.
gnomAD v4.1: 4 of 1,614,202 alleles (0.00025%); highest among the groups gnomAD compares: Non-Finnish European, 0.00017%; no homozygotes.

Submissions (2):

Ambry Genetics
Classification: Uncertain significance for Inborn genetic diseases. Last evaluated: 2019-08-27. Review status: criteria provided, single submitter. Criteria: Ambry Variant Classification Scheme 2023. Collection method: clinical testing. Allele origin: germline.
Comment: The p.V711M variant (also known as c.2131G>A), located in coding exon 16 of the ATP1A2 gene, results from a G to A substitution at nucleotide position 2131. The valine at codon 711 is replaced by methionine, an amino acid with highly similar properties. This variant was previously reported in one individual with early-onset sporadic hemiplegic migraine and found to be inherited from a parent with migraines without aura (Riant F et al. Neurology., 2010 Sep;75(11):967-72). This amino acid position is highly conserved in available vertebrate species. In addition, this alteration is predicted to be deleterious by in silico analysis. Since supporting evidence is conflicting at this time, the clinical significance of this alteration remains unclear.

Labcorp Genetics (formerly Invitae), Labcorp
Classification: Uncertain significance for Familial hemiplegic migraine. Last evaluated: 2017-04-20. Review status: criteria provided, single submitter. Criteria: Invitae Variant Classification Sherloc (09022015). Collection method: clinical testing. Allele origin: germline.
Comment: In summary, this variant is a novel missense change with uncertain impact on protein function. It has been classified as a Variant of Uncertain Significance. Algorithms developed to predict the effect of missense changes on protein structure and function do not agree on the potential impact of this missense change (SIFT: "Deleterious"; PolyPhen-2: "Probably Damaging"; Align-GVGD: "Class C15"). This variant is not present in population databases (ExAC no frequency) and has not been reported in the literature in individuals with an ATP1A2-related disease. This sequence change replaces valine with methionine at codon 711 of the ATP1A2 protein (p.Val711Met). The valine residue is highly conserved and there is a small physicochemical difference between valine and methionine.